The following is an entry in ClinVar:

NM_025243.4(SLC19A3):c.194TGC[5] (p.Leu68_Pro69insLeu)

Gene: SLC19A3 (solute carrier family 19 member 3; minus strand). Cytogenetic location: 2q36.3.
Variant type: Microsatellite.
Coding change: c.194TGC[5] on transcript NM_025243.4 (MANE Select); five copies in a row of the 3-base unit TGC starting at c.194; the reference has four copies in a row; one copy, 3 bases duplicated.
Protein change: p.Leu68_Pro69insLeu.
Molecular consequence: inframe insertion.
Genome position (GRCh38, 1-based): chr2:227,699,510-227,699,512, GCA duplicated on the plus strand (TGC on the coding strand, the reverse complement: SLC19A3 is on the minus strand); duplicating any 3 consecutive bases within chr2:227,699,510-227,699,521 gives the same sequence; the position shown is the placement nearest the transcript's 3' end. VCF-style (leftmost placement, unchanged base first): chr2-227699509-G-GGCA. GRCh37 (hg19) VCF-style: chr2-228564225-G-GGCA.
Other names: c.194TGC[5], p.Leu68_Pro69insLeu (NM_001371411.1, NM_001371412.1); c.182TGC[5], p.Leu64_Pro65insLeu (NM_001371413.1, NM_001371414.1).
Identifiers: ClinVar variation 5004680 (VCV005004680.1).

ClinVar aggregate classification (germline): Uncertain significance (1 of 4 stars; one submission).

Conditions:
Biotin-responsive basal ganglia disease (BTBGD). Also called: Thiamine Transporter-2 Deficiency; Thiamine metabolism dysfunction syndrome 2 (biotin- or thiamine-responsive encephalopathy type 2); thiamine-responsive encephalopathy; Thiamine metabolism dysfunction syndrome type 2; THIAMINE METABOLISM DYSFUNCTION SYNDROME 2 (BIOTIN- AND THIAMINE-RESPONSIVE TYPE). Identifiers: Orphanet 199348, Orphanet 65284, MedGen C1843807, MONDO:0011841, OMIM 607483.

Submission:

Myriad Genetics, Inc.
Classification: Uncertain significance for Biotin-responsive basal ganglia disease. Last evaluated: 2026-05-15. Review status: criteria provided, single submitter. Criteria: Myriad Autosomal Dominant, Autosomal Recessive and X-Linked Classification Criteria (2023). Collection method: clinical testing. Allele origin: unknown.
Comment: NM_025243.3(SLC19A3):c.203_205dupTGC(L68dup) is an in-frame insertion classified as a variant of uncertain significance in the context of biotin-thiamine-responsive basal ganglia disease. L68dup has not been observed in cases with relevant disease. Relevant functional assessments of this variant are not available in the literature. L68dup has been observed in referenced population frequency databases. In summary, there is insufficient evidence to classify NM_025243.3(SLC19A3):c.203_205dupTGC(L68dup) as pathogenic or benign. Please note: this variant was assessed in the context of healthy population screening.